The following is an entry in ClinVar:

ClinVar aggregate classification (germline): Uncertain significance. Review status: criteria provided, multiple submitters, no conflicts (2 of 4 stars). 2 submissions from 2 submitters: Uncertain significance (2). Last evaluated 2025-08-04.

Allele frequency attached by ClinVar (database versions not stated): gnomAD exomes 0.00001; ExAC 0.00002; gnomAD 0.00003 and 0.00004; TOPMed 0.00005.
gnomAD v4.1: 19 of 1,613,310 alleles (0.0012%); highest among the groups gnomAD compares: African/African-American, 0.0027%; no homozygotes.

Submissions (2):

Ambry Genetics
Classification: Uncertain significance. Last evaluated: 2025-08-04. Review status: criteria provided, single submitter. Criteria: Ambry Variant Classification Scheme 2023. Collection method: clinical testing. Allele origin: germline.

Labcorp Genetics (formerly Invitae), Labcorp
Classification: Uncertain significance. Last evaluated: 2024-10-16. Review status: criteria provided, single submitter. Criteria: Invitae Variant Classification Sherloc (09022015). Collection method: clinical testing. Allele origin: germline.
Comment: This sequence change replaces lysine, which is basic and polar, with methionine, which is neutral and non-polar, at codon 474 of the C5 protein (p.Lys474Met). This variant is present in population databases (rs758320457, gnomAD 0.004%). This variant has not been reported in the literature in individuals affected with C5-related conditions. ClinVar contains an entry for this variant (Variation ID: 1408400). Invitae Evidence Modeling of protein sequence and biophysical properties (such as structural, functional, and spatial information, amino acid conservation, physicochemical variation, residue mobility, and thermodynamic stability) indicates that this missense variant is not expected to disrupt C5 protein function with a negative predictive value of 80%. In summary, the available evidence is currently insufficient to determine the role of this variant in disease. Therefore, it has been classified as a Variant of Uncertain Significance.

NM_001735.3(C5):c.1421A>T (p.Lys474Met)

Gene: C5 (complement C5; minus strand). Cytogenetic location: 9q33.2.
Variant type: single nucleotide variant.
Coding change: c.1421A>T on transcript NM_001735.3 (MANE Select); coding-DNA position 1421, A replaced by T.
Protein change: p.Lys474Met; replaces lysine 474 with methionine.
Molecular consequence: missense variant.
Genome position (GRCh38, 1-based): chr9:121,020,061, T>A on the plus strand (A>T on the coding strand, the complement: C5 is on the minus strand). VCF-style: chr9-121020061-T-A. GRCh37 (hg19) VCF-style: chr9-123782339-T-A.
Other names: c.1439A>T, p.Lys480Met (NM_001317163.2); c.1421A>T, p.Lys474Met (NM_001317164.2); c.1421A>T (NM_001735.2); short protein forms K474M, K480M.
Identifiers: ClinVar variation 1408400 (VCV001408400.6), dbSNP rs758320457, ClinGen allele CA5218078.